The following is an entry in ClinVar:

ClinVar aggregate classification (germline): Uncertain significance. Review status: criteria provided, multiple submitters, no conflicts (2 of 4 stars). 2 submissions from 2 submitters: Uncertain significance (2). Last evaluated 2023-10-14.

Allele frequency attached by ClinVar (database versions not stated): gnomAD exomes 0.00001; gnomAD 0.00002; ExAC 0.00004; TOPMed 0.00005.
gnomAD v4.1: 24 of 1,612,176 alleles (0.0015%); highest among the groups gnomAD compares: African/African-American, 0.0067%; 1 homozygote.

Submissions (2):

Labcorp Genetics (formerly Invitae), Labcorp
Classification: Uncertain significance. Last evaluated: 2023-10-14. Review status: criteria provided, single submitter. Criteria: Invitae Variant Classification Sherloc (09022015). Collection method: clinical testing. Allele origin: germline.
Comment: This sequence change replaces arginine, which is basic and polar, with histidine, which is basic and polar, at codon 214 of the HS6ST1 protein (p.Arg214His). This variant is present in population databases (rs749738599, gnomAD 0.01%). This variant has not been reported in the literature in individuals affected with HS6ST1-related conditions. Advanced modeling of protein sequence and biophysical properties (such as structural, functional, and spatial information, amino acid conservation, physicochemical variation, residue mobility, and thermodynamic stability) performed at Invitae indicates that this missense variant is not expected to disrupt HS6ST1 protein function. In summary, the available evidence is currently insufficient to determine the role of this variant in disease. Therefore, it has been classified as a Variant of Uncertain Significance.

Ambry Genetics
Classification: Uncertain significance. Last evaluated: 2023-07-19. Review status: criteria provided, single submitter. Criteria: Ambry Variant Classification Scheme 2023. Collection method: clinical testing. Allele origin: germline.

NM_004807.3(HS6ST1):c.641G>A (p.Arg214His)

Gene: HS6ST1 (heparan sulfate 6-O-sulfotransferase 1; minus strand). Cytogenetic location: 2q14.3.
Variant type: single nucleotide variant.
Coding change: c.641G>A on transcript NM_004807.3 (MANE Select); coding-DNA position 641, G replaced by A.
Protein change: p.Arg214His; replaces arginine 214 with histidine.
Molecular consequence: missense variant.
Genome position (GRCh38, 1-based): chr2:128,268,757, C>T on the plus strand (G>A on the coding strand, the complement: HS6ST1 is on the minus strand). VCF-style: chr2-128268757-C-T. GRCh37 (hg19) VCF-style: chr2-129026331-C-T.
Other names: short protein forms R214H.
Identifiers: ClinVar variation 2591667 (VCV002591667.5), dbSNP rs749738599, ClinGen allele CA1867583.